The following is an entry in ClinVar:

ClinVar aggregate classification (germline): Uncertain significance (1 of 4 stars; one submission).

Conditions:
Inborn genetic diseases. Identifiers: MedGen C0950123, MeSH D030342.

Submission:

Ambry Genetics
Classification: Uncertain significance for Inborn genetic diseases. Last evaluated: 2026-05-24. Review status: criteria provided, single submitter. Criteria: Ambry Variant Classification Scheme 2023. Collection method: clinical testing. Allele origin: germline.
Comment: The p.E1437K variant (also known as c.4309G>A), located in coding exon 1 of the SAMD9L gene, results from a G to A substitution at nucleotide position 4309. The glutamic acid at codon 1437 is replaced by lysine, an amino acid with similar properties. This amino acid position is conserved. In addition, this alteration is predicted to be tolerated by in silico analysis. Based on the available evidence, the clinical significance of this variant remains unclear.

NM_152703.5(SAMD9L):c.4309G>A (p.Glu1437Lys)

Gene: SAMD9L (sterile alpha motif domain containing 9 like; minus strand). Cytogenetic location: 7q21.2.
Variant type: single nucleotide variant.
Coding change: c.4309G>A on transcript NM_152703.5 (MANE Select); coding-DNA position 4309, G replaced by A.
Protein change: p.Glu1437Lys; replaces glutamic acid 1437 with lysine.
Molecular consequence: missense variant.
Genome position (GRCh38, 1-based): chr7:93,131,663, C>T on the plus strand (G>A on the coding strand, the complement: SAMD9L is on the minus strand). VCF-style: chr7-93131663-C-T. GRCh37 (hg19) VCF-style: chr7-92760976-C-T.
Other names: c.4309G>A, p.Glu1437Lys (NM_001303496.3, NM_001303497.3, NM_001303498.3 and 5 more transcripts); short protein forms E1437K.
Identifiers: ClinVar variation 4864012 (VCV004864012.1).